The following is an entry in ClinVar:

NM_003482.4(KMT2D):c.7479G>A (p.Gly2493=)

Gene: KMT2D (lysine methyltransferase 2D; minus strand). Cytogenetic location: 12q13.12.
Variant type: single nucleotide variant.
Coding change: c.7479G>A on transcript NM_003482.4 (MANE Select); coding-DNA position 7479, G replaced by A.
Protein change: p.Gly2493=; no amino-acid change (glycine 2493 retained).
Molecular consequence: synonymous variant.
Genome position (GRCh38, 1-based): chr12:49,040,291, C>T on the plus strand (G>A on the coding strand, the complement: KMT2D is on the minus strand). VCF-style: chr12-49040291-C-T. GRCh37 (hg19) VCF-style: chr12-49434074-C-T.
Identifiers: ClinVar variation 1979442 (VCV001979442.29), dbSNP rs10747559, ClinGen allele CA6547057.

ClinVar aggregate classification (germline): Likely benign. Review status: criteria provided, multiple submitters, no conflicts (2 of 4 stars). 3 submissions from 3 submitters: Likely benign (3). Last evaluated 2023-12-06.

Conditions:
Kabuki syndrome. Also called: NIIKAWA-KUROKI SYNDROME; Kabuki make-up syndrome. Identifiers: Orphanet 2322, MedGen C0796004, MONDO:0016512.

gnomAD v4.1: 25 of 1,599,178 alleles (0.0016%); highest among the groups gnomAD compares: Middle Eastern, 0.017%; no homozygotes.

Submissions (3):

Labcorp Genetics (formerly Invitae), Labcorp
Classification: Likely benign for Kabuki syndrome. Last evaluated: 2023-12-06. Review status: criteria provided, single submitter. Criteria: Invitae Variant Classification Sherloc (09022015). Collection method: clinical testing. Allele origin: germline.

Blueprint Genetics
Classification: Likely benign. Last evaluated: 2022-07-07. Review status: criteria provided, single submitter. Criteria: ACMG Guidelines, 2015. Collection method: clinical testing. Allele origin: germline.

CeGaT Center for Human Genetics Tuebingen
Classification: Likely benign. Last evaluated: 2022-07-01. Review status: criteria provided, single submitter. Criteria: CeGaT Center For Human Genetics Tuebingen Variant Classification Criteria Version 2. Collection method: clinical testing. Allele origin: germline. Affected: yes. Observed: 1 variant allele.
Comment: KMT2D: BP4, BP7